The following is an entry in ClinVar:

ClinVar aggregate classification (germline): Uncertain significance (1 of 4 stars; one submission).

Conditions:
POLD1-related polyposis and colorectal cancer syndrome (CRCS10). Also called: Colorectal cancer 10; Colorectal cancer, susceptibility to, 10; COLORECTAL CANCER, SUSCEPTIBILITY TO, ON CHROMOSOME 19q. Identifiers: Orphanet 220460, MedGen C2675481, MONDO:0012953, OMIM 612591.

gnomAD v4.1: 5 of 1,597,058 alleles (0.00031%); highest among the groups gnomAD compares: Non-Finnish European, 0.000085%; no homozygotes.

Submission:

Labcorp Genetics (formerly Invitae), Labcorp
Classification: Uncertain significance for POLD1-related polyposis and colorectal cancer syndrome. Last evaluated: 2022-12-16. Review status: criteria provided, single submitter. Criteria: Invitae Variant Classification Sherloc (09022015). Collection method: clinical testing. Allele origin: germline.
Comment: In summary, the available evidence is currently insufficient to determine the role of this variant in disease. Therefore, it has been classified as a Variant of Uncertain Significance. Advanced modeling of protein sequence and biophysical properties (such as structural, functional, and spatial information, amino acid conservation, physicochemical variation, residue mobility, and thermodynamic stability) performed at Invitae indicates that this missense variant is not expected to disrupt POLD1 protein function. This variant has not been reported in the literature in individuals affected with POLD1-related conditions. This variant is present in population databases (rs373192520, gnomAD 0.01%). This sequence change replaces arginine, which is basic and polar, with leucine, which is neutral and non-polar, at codon 211 of the POLD1 protein (p.Arg211Leu).

NM_002691.4(POLD1):c.632G>T (p.Arg211Leu)

Gene: POLD1 (DNA polymerase delta 1, catalytic subunit; plus strand). Cytogenetic location: 19q13.33.
Variant type: single nucleotide variant.
Coding change: c.632G>T on transcript NM_002691.4 (MANE Select); coding-DNA position 632, G replaced by T.
Protein change: p.Arg211Leu; replaces arginine 211 with leucine.
Molecular consequence: missense variant. On other transcripts: non-coding transcript variant (1).
Genome position (GRCh38, 1-based): chr19:50,402,247, G>T. VCF-style: chr19-50402247-G-T. GRCh37 (hg19) VCF-style: chr19-50905504-G-T.
Other names: c.632G>T, p.Arg211Leu (NM_001256849.1, NM_001308632.1); short protein forms R211L.
Identifiers: ClinVar variation 2783821 (VCV002783821.3), dbSNP rs373192520, ClinGen allele CA9595842.
Genomic context (GRCh38, chr19:50,402,247, plus strand): 5'-AGCTTCTTCCATCCACAGGCATGTTTGGGTACCACGGGCACGGCCCCTCCCCGTTCCTGC[G>T]CATCACCGTGGCGCTGCCGCGCCTCGTGGCCCCGGCCCGCCGTCTCCTGGAACAGGGCAT-3'
Protein context (NP_002682.2, residues 201-221): YHGHGPSPFL[Arg211Leu]ITVALPRLVA